The following is an entry in ClinVar:

ClinVar aggregate classification (germline): Likely benign (1 of 4 stars; one submission).

Conditions:
H19-related disorder. Also called: H19-related condition.

Submission:

PreventionGenetics, part of Exact Sciences
Classification: Likely benign for H19-related condition. Last evaluated: 2025-11-04. Review status: criteria provided, single submitter. Criteria: ACMG Guidelines, 2015. Collection method: clinical testing. Allele origin: germline.
Comment: This variant is classified as likely benign based on ACMG/AMP sequence variant interpretation guidelines (Richards et al. 2015 PMID: 25741868, with internal and published modifications).

NR_002196.3(H19):n.215G>A

Genes: H19 (H19 imprinted maternally expressed transcript; minus strand), MRPL23 (mitochondrial ribosomal protein L23; plus strand). Cytogenetic location: 11p15.5.
Variant type: single nucleotide variant.
Molecular consequence: non-coding transcript variant (on NR_002196.3). On other transcripts: intron variant (1).
Genome position: GRCh38 VCF-style: chr11-1997628-C-T. GRCh37 (hg19) VCF-style: chr11-2018858-C-T.
Other names: c.498-13913C>T (NM_001400176.1).
Identifiers: ClinVar variation 4995890 (VCV004995890.1).